The following is an entry in ClinVar:

NM_001012970.3(SPMIP3):c.211G>C (p.Asp71His)

Gene: SPMIP3 (sperm microtubule inner protein 3; plus strand). Cytogenetic location: 1q44.
Variant type: single nucleotide variant.
Coding change: c.211G>C on transcript NM_001012970.3 (MANE Select); coding-DNA position 211, G replaced by C.
Protein change: p.Asp71His; replaces aspartic acid 71 with histidine.
Molecular consequence: missense variant. On other transcripts: intron variant (2).
Genome position (GRCh38, 1-based): chr1:244,378,525, G>C. VCF-style: chr1-244378525-G-C. GRCh37 (hg19) VCF-style: chr1-244541827-G-C.
Other names: c.153-38G>C (NM_001276348.2); c.152+3058G>C (NM_001276349.2); short protein forms D71H.
Identifiers: ClinVar variation 2640222 (VCV002640222.24), dbSNP rs41269385, ClinGen allele CA1484618.

ClinVar aggregate classification (germline): Likely benign (1 of 4 stars; one submission).

Allele frequency attached by ClinVar (database versions not stated): 1000 Genomes Project 30x 0.00187; 1000 Genomes Project 0.00220; gnomAD 0.00312; TOPMed 0.00315; ExAC 0.00339; ESP Exome Variant Server 0.00469.
gnomAD v4.1: 7,551 of 1,613,838 alleles (0.47%); highest among the groups gnomAD compares: Middle Eastern, 0.61%; 22 homozygotes.

Submission:

CeGaT Center for Human Genetics Tuebingen
Classification: Likely benign. Last evaluated: 2022-12-01. Review status: criteria provided, single submitter. Criteria: CeGaT Center For Human Genetics Tuebingen Variant Classification Criteria Version 2. Collection method: clinical testing. Allele origin: germline. Affected: yes. Observed: 1 variant allele.
Comment: SPMIP3: BP4, BS2